The following is an entry in ClinVar:

NC_000015.10:g.65645611GAG[2]

Gene: SLC24A1 (solute carrier family 24 member 1; plus strand). Cytogenetic location: 15q22.31.
Variant type: Microsatellite.
Genome position: GRCh38 VCF-style: chr15-65645610-AGAG-A. GRCh37 (hg19) VCF-style: chr15-65937948-AGAG-A.
Identifiers: ClinVar variation 2087370 (VCV002087370.5), dbSNP rs2548408047, ClinGen allele CA2580613852.

ClinVar aggregate classification (germline): Uncertain significance (1 of 4 stars; one submission).

Submission:

Labcorp Genetics (formerly Invitae), Labcorp
Classification: Uncertain significance. Last evaluated: 2022-08-16. Review status: criteria provided, single submitter. Criteria: Invitae Variant Classification Sherloc (09022015). Collection method: clinical testing. Allele origin: germline.
Comment: This variant, c.2146_2148del, results in the deletion of 1 amino acid(s) of the SLC24A1 protein (p.Glu716del), but otherwise preserves the integrity of the reading frame. In summary, the available evidence is currently insufficient to determine the role of this variant in disease. Therefore, it has been classified as a Variant of Uncertain Significance. Algorithms developed to predict the effect of sequence changes on RNA splicing suggest that this variant may disrupt the consensus splice site. Experimental studies and prediction algorithms are not available or were not evaluated, and the functional significance of this variant is currently unknown. This variant has not been reported in the literature in individuals affected with SLC24A1-related conditions. This variant is not present in population databases (gnomAD no frequency).